The following is an entry in ClinVar:

ClinVar aggregate classification (germline): Pathogenic (1 of 4 stars; one submission).

Conditions:
Hereditary cancer-predisposing syndrome. Also called: Neoplastic Syndromes, Hereditary; Hereditary Cancer Syndrome; Tumor predisposition; Hereditary neoplastic syndrome. Identifiers: Orphanet 140162, MedGen C0027672, MeSH D009386, MONDO:0015356.

Submission:

Labcorp Genetics (formerly Invitae), Labcorp
Classification: Pathogenic for Hereditary cancer-predisposing syndrome. Last evaluated: 2025-07-21. Review status: criteria provided, single submitter. Criteria: Invitae Variant Classification Sherloc (09022015). Collection method: clinical testing. Allele origin: germline.
Comment: This sequence change creates a premature translational stop signal (p.Glu487Aspfs*6) in the RAD50 gene. It is expected to result in an absent or disrupted protein product. Loss-of-function variants in RAD50 are known to be pathogenic (PMID: 19409520). Information on the frequency of this variant in the gnomAD database is not available, as this variant may be reported differently in the database. This variant has not been reported in the literature in individuals affected with RAD50-related conditions. For these reasons, this variant has been classified as Pathogenic.

Literature cited by the submitters: PubMed 19409520.

NM_005732.4(RAD50):c.1461delinsTT (p.Glu487fs)

Gene: RAD50 (RAD50 double strand break repair protein; plus strand). Cytogenetic location: 5q31.1.
Variant type: Indel.
Coding change: c.1461delinsTT on transcript NM_005732.4 (MANE Select); coding-DNA position 1461, G replaced by TT.
Protein change: p.Glu487fs; shifts the reading frame from glutamic acid 487.
Molecular consequence: frameshift variant.
Genome position (GRCh38, 1-based): chr5:132,591,232, G replaced by TT. VCF-style: chr5-132591232-G-TT. GRCh37 (hg19) VCF-style: chr5-131926924-G-TT.
Other names: short protein forms E487fs.
Identifiers: ClinVar variation 2071884 (VCV002071884.4), dbSNP rs2479640714, ClinGen allele CA2580072724.